The following is an entry in ClinVar:

ClinVar aggregate classification (germline): Uncertain significance. Review status: criteria provided, multiple submitters, no conflicts (2 of 4 stars). 2 submissions from 2 submitters: Uncertain significance (2). Last evaluated 2024-10-30.

Conditions:
Neuronopathy, distal hereditary motor, autosomal recessive 4. Also called: Autosomal recessive lower motor neuron disease with childhood onset; NEUROPATHY, DISTAL HEREDITARY MOTOR, AUTOSOMAL RECESSIVE 4. Identifiers: Orphanet 206580, MedGen C1970211, MONDO:0012608, OMIM 611067.
Charcot-Marie-Tooth disease recessive intermediate C. Also called: CHARCOT-MARIE-TOOTH NEUROPATHY, RECESSIVE INTERMEDIATE C. Identifiers: Orphanet 369867, MedGen C3809309, MONDO:0014154, OMIM 615376.

Allele frequency attached by ClinVar (database versions not stated): gnomAD exomes 0.00001; ExAC 0.00002; gnomAD 0.00002; TOPMed 0.00002.
gnomAD v4.1: 12 of 1,613,422 alleles (0.00074%); highest among the groups gnomAD compares: African/African-American, 0.0067%; no homozygotes.

Submissions (2):

Women's Health and Genetics/Laboratory Corporation of America, LabCorp
Classification: Uncertain significance. Last evaluated: 2024-10-30. Review status: criteria provided, single submitter. Criteria: LabCorp Variant Classification Summary - May 2015. Collection method: clinical testing. Allele origin: germline.
Comment: Variant summary: PLEKHG5 c.1826C>T (p.Thr609Met) results in a non-conservative amino acid change located in the Pleckstrin homology domain (IPR001849) of the encoded protein sequence. Five of five in-silico tools predict a damaging effect of the variant on protein function. The variant allele was found at a frequency of 1.2e-05 in 250780 control chromosomes. c.1826C>T has been reported in the literature in a homozygous individual affected with motor and sensory neuropathy (Chen_2021). These data indicate that the variant may be associated with disease. To our knowledge, no experimental evidence demonstrating an impact on protein function has been reported. The following publication has been ascertained in the context of this evaluation (PMID: 33220101). ClinVar contains an entry for this variant (Variation ID: 1366373). Based on the evidence outlined above, the variant was classified as VUS-possibly pathogenic.

Labcorp Genetics (formerly Invitae), Labcorp
Classification: Uncertain significance for Neuronopathy, distal hereditary motor, autosomal recessive 4; Charcot-Marie-Tooth disease recessive intermediate C. Last evaluated: 2022-08-21. Review status: criteria provided, single submitter. Criteria: Invitae Variant Classification Sherloc (09022015). Collection method: clinical testing. Allele origin: germline.
Comment: This sequence change replaces threonine, which is neutral and polar, with methionine, which is neutral and non-polar, at codon 609 of the PLEKHG5 protein (p.Thr609Met). This variant is present in population databases (rs553151077, gnomAD 0.01%). This missense change has been observed in individual(s) with clinical features of Charcot-Marie-Tooth disease (PMID: 33220101). This variant is also known as c.2057C>T (p.Thr686Met). ClinVar contains an entry for this variant (Variation ID: 1366373). Algorithms developed to predict the effect of missense changes on protein structure and function are either unavailable or do not agree on the potential impact of this missense change (SIFT: "Deleterious"; PolyPhen-2: "Probably Damaging"; Align-GVGD: "Class C0"). In summary, the available evidence is currently insufficient to determine the role of this variant in disease. Therefore, it has been classified as a Variant of Uncertain Significance.

Literature cited by the submitters: PubMed 33220101 (cited by Women's Health and Genetics/Laboratory Corporation of America, LabCorp and Labcorp Genetics (formerly Invitae), Labcorp).

NM_020631.6(PLEKHG5):c.1826C>T (p.Thr609Met)

Gene: PLEKHG5 (pleckstrin homology and RhoGEF domain containing G5; minus strand). Cytogenetic location: 1p36.31.
Variant type: single nucleotide variant.
Coding change: c.1826C>T on transcript NM_020631.6 (MANE Select); coding-DNA position 1826, C replaced by T.
Protein change: p.Thr609Met; replaces threonine 609 with methionine.
Molecular consequence: missense variant.
Genome position (GRCh38, 1-based): chr1:6,469,651, G>A on the plus strand (C>T on the coding strand, the complement: PLEKHG5 is on the minus strand). VCF-style: chr1-6469651-G-A. GRCh37 (hg19) VCF-style: chr1-6529711-G-A.
Other names: c.1937C>T, p.Thr646Met (NM_001042663.3, NM_001265592.2); c.1826C>T, p.Thr609Met (NM_001042664.2, NM_001042665.2, NM_001265594.3 and 1 more transcripts); c.2033C>T, p.Thr678Met (NM_001265593.2); short protein forms T609M, T646M, T678M.
Identifiers: ClinVar variation 1366373 (VCV001366373.6), dbSNP rs553151077, ClinGen allele CA561336.